The following is an entry in ClinVar:

ClinVar aggregate classification (germline): Uncertain significance. Review status: criteria provided, multiple submitters, no conflicts (2 of 4 stars). 5 submissions from 3 submitters: Uncertain significance (5). Last evaluated 2023-04-11.

Conditions:
Cardiomyopathy (CMYO). Also called: Cardiomyopathies. Identifiers: Orphanet 167848, MedGen C0878544, MONDO:0004994, HP:0001638. Inheritance: Various modes of inheritance.
Hypertrophic cardiomyopathy 2. Also called: TNNT2-Related Familial Hypertrophic Cardiomyopathy. Identifiers: MedGen C1861864, MONDO:0007266, OMIM 115195.
Cardiomyopathy, familial restrictive, 3. Identifiers: Orphanet 75249, MedGen C2676271, MONDO:0012900, OMIM 612422.
Dilated cardiomyopathy 1D. Identifiers: Orphanet 154, Orphanet 54260, MedGen C1832243, MONDO:0011095, OMIM 601494.

Submissions (5):

Genome-Nilou Lab
Classification: Uncertain significance for Dilated cardiomyopathy 1D. Last evaluated: 2023-04-11. Review status: criteria provided, single submitter. Criteria: ACMG Guidelines, 2015. Collection method: clinical testing. Allele origin: germline. Affected: no.

Genome-Nilou Lab
Classification: Uncertain significance for Cardiomyopathy, familial restrictive, 3. Last evaluated: 2023-04-11. Review status: criteria provided, single submitter. Criteria: ACMG Guidelines, 2015. Collection method: clinical testing. Allele origin: germline. Affected: no.

Genome-Nilou Lab
Classification: Uncertain significance for Hypertrophic cardiomyopathy 2. Last evaluated: 2023-04-11. Review status: criteria provided, single submitter. Criteria: ACMG Guidelines, 2015. Collection method: clinical testing. Allele origin: germline. Affected: no.

CHEO Genetics Diagnostic Laboratory, Children's Hospital of Eastern Ontario
Classification: Uncertain significance for Cardiomyopathy. Last evaluated: 2019-02-25. Review status: criteria provided, single submitter. Criteria: ACMG Guidelines, 2015. Collection method: clinical testing. Allele origin: germline.

Laboratory for Molecular Medicine, Mass General Brigham Personalized Medicine
Classification: Uncertain significance. Last evaluated: 2014-07-03. Review status: criteria provided, single submitter. Criteria: LMM Criteria. Collection method: clinical testing. Allele origin: germline. Observed: 2 variant alleles.
Comment: The Arg84Ser variant in TNNT2 has not been reported in any other families with c ardiomyopathy or in large population studies. Arginine (Arg) at position 84 is not well conserved in evolu tion but the change to serine was predicted to be pathogenic using a computation al tool clinically validated by our laboratory. This tool's pathogenic predictio n is estimated to be correct 94% of the time (Jordan 2011). In summary, the clin ical significance of the Arg84Ser variant is uncertain.

NM_001276345.2(TNNT2):c.282A>T (p.Arg94Ser)

Gene: TNNT2 (troponin T2, cardiac type; minus strand). Cytogenetic location: 1q32.1.
Variant type: single nucleotide variant.
Coding change: c.282A>T on transcript NM_001276345.2 (MANE Select); coding-DNA position 282, A replaced by T.
Protein change: p.Arg94Ser; replaces arginine 94 with serine.
Molecular consequence: missense variant.
Genome position (GRCh38, 1-based): chr1:201,365,622, T>A on the plus strand (A>T on the coding strand, the complement: TNNT2 is on the minus strand). VCF-style: chr1-201365622-T-A. GRCh37 (hg19) VCF-style: chr1-201334750-T-A.
Other names: c.282A>T, p.Arg94Ser (NM_000364.4); c.252A>T, p.Arg84Ser (NM_001001430.3, NM_001001431.3, NM_001276347.2); c.237A>T, p.Arg79Ser (NM_001001432.3); c.279A>T, p.Arg93Ser (NM_001276346.2); short protein forms R84S, R94S, R79S, R93S.
Identifiers: ClinVar variation 43624 (VCV000043624.8), dbSNP rs397516453, ClinGen allele CA004222.
Genomic context (GRCh38, chr1:201,365,622, plus strand): 5'-TGGGACTATCCCCAGCCCAGGCCTACTCAACCCACAGCCACCGCTTACATCAAAGTCCAC[T>A]CTCTCTCCATCGGGGATCTTGGGAGGCACCAAGTTGGGCATGAACGACCTGTTGGAGAGA-3'
Protein context (NP_001263274.1, residues 84-104): LVPPKIPDGE[Arg94Ser]VDFDDIHRKR